The following is an entry in ClinVar:

NM_004260.4(RECQL4):c.683T>G (p.Leu228Arg)

Gene: RECQL4 (RecQ like helicase 4; minus strand). Cytogenetic location: 8q24.3.
Variant type: single nucleotide variant.
Coding change: c.683T>G on transcript NM_004260.4 (MANE Select); coding-DNA position 683, T replaced by G.
Protein change: p.Leu228Arg; replaces leucine 228 with arginine.
Molecular consequence: missense variant. On other transcripts: intron variant (3), 5 prime UTR variant (15), non-coding transcript variant (3).
Genome position (GRCh38, 1-based): chr8:144,516,436, A>C on the plus strand (T>G on the coding strand, the complement: RECQL4 is on the minus strand). VCF-style: chr8-144516436-A-C. GRCh37 (hg19) VCF-style: chr8-145741820-A-C.
Other names: c.355-23T>G (NM_001413029.1); c.-366-23T>G (NM_001413021.1, NM_001413028.1); c.683T>G, p.Leu228Arg (NM_001413017.1, NM_001413018.1, NM_001413019.1 and 4 more transcripts); c.-389T>G (NM_001413022.1, NM_001413023.1, NM_001413024.1 and 5 more transcripts); c.554T>G, p.Leu185Arg (NM_001413025.1); c.-451T>G (NM_001413027.1, NM_001413030.1, NM_001413031.1 and 2 more transcripts); c.-293T>G (NM_001413034.1); c.-658T>G (NM_001413043.1); short protein forms L228R, L185R.
Identifiers: ClinVar variation 5028116 (VCV005028116.1).

ClinVar aggregate classification (germline): Uncertain significance (1 of 4 stars; one submission).

Conditions:
Inborn genetic diseases. Identifiers: MedGen C0950123, MeSH D030342.

Submission:

Ambry Genetics
Classification: Uncertain significance for Inborn genetic diseases. Last evaluated: 2026-08-30. Review status: criteria provided, single submitter. Criteria: Ambry Variant Classification Scheme 2023. Collection method: clinical testing. Allele origin: germline.
Comment: The p.L228R variant (also known as c.683T>G), located in coding exon 5 of the RECQL4 gene, results from a T to G substitution at nucleotide position 683. The leucine at codon 228 is replaced by arginine, an amino acid with dissimilar properties. This amino acid position is conserved. In addition, this alteration is predicted to be tolerated by in silico analysis. Based on the available evidence, the clinical significance of this variant remains unclear.